The following is an entry in ClinVar:

NM_018006.5(TRMU):c.233G>A (p.Trp78Ter)

Gene: TRMU (tRNA mitochondrial 2-thiouridylase; plus strand). Cytogenetic location: 22q13.31.
Variant type: single nucleotide variant.
Coding change: c.233G>A on transcript NM_018006.5 (MANE Select); coding-DNA position 233, G replaced by A.
Protein change: p.Trp78Ter; replaces tryptophan 78 with a stop codon.
Molecular consequence: nonsense. On other transcripts: 5 prime UTR variant (3), non-coding transcript variant (2).
Genome position (GRCh38, 1-based): chr22:46,337,929, G>A. VCF-style: chr22-46337929-G-A. GRCh37 (hg19) VCF-style: chr22-46733826-G-A.
Other names: c.-3G>A (NM_001282782.2); c.-22G>A (NM_001282783.2, NM_001282784.2); c.233G>A, p.Trp78Ter (NM_001282785.2); short protein forms W78*.
Identifiers: ClinVar variation 5016264 (VCV005016264.1).

ClinVar aggregate classification (germline): Pathogenic (1 of 4 stars; one submission).

Conditions:
Acute infantile liver failure due to synthesis defect of mtDNA-encoded proteins. Also called: Liver failure acute infantile; LIVER FAILURE, INFANTILE, TRANSIENT; TRMU Deficiency. Identifiers: Orphanet 217371, MedGen C3278664, MONDO:0013111, OMIM 613070.

gnomAD v4.1: 2 of 1,614,140 alleles (0.00012%); highest among the groups gnomAD compares: South Asian, 0.0022%; no homozygotes.

Submission:

Myriad Genetics, Inc.
Classification: Pathogenic for Acute infantile liver failure due to synthesis defect of mtDNA-encoded proteins. Last evaluated: 2026-08-22. Review status: criteria provided, single submitter. Criteria: Myriad Autosomal Dominant, Autosomal Recessive and X-Linked Classification Criteria (2023). Collection method: clinical testing. Allele origin: unknown.
Comment: NM_018006.4(TRMU):c.233G>A(W78*) is expected to be pathogenic in the context of acute liver failure, TRMU-related. This variant is predicted to lead to an abnormal or absent protein product due to the creation of a premature termination codon in TRMU, a gene where loss-of-function variants are known to be pathogenic. Please note: this variant was assessed in the context of healthy population screening.